The following is an entry in ClinVar:

ClinVar aggregate classification (germline): Conflicting classifications of pathogenicity. Review status: criteria provided, conflicting classifications (1 of 4 stars). 3 submissions from 3 submitters: Uncertain significance (2); Likely benign (1). Last evaluated 2026-02-01.

Allele frequency attached by ClinVar (database versions not stated): TOPMed 0.00001; gnomAD 0.00002; ExAC 0.00003.
gnomAD v4.1: 22 of 1,551,522 alleles (0.0014%); highest among the groups gnomAD compares: Non-Finnish European, 0.0018%; no homozygotes.

Submissions (3):

Labcorp Genetics (formerly Invitae), Labcorp
Classification: Uncertain significance. Last evaluated: 2026-02-01. Review status: criteria provided, single submitter. Criteria: Invitae Variant Classification Sherloc (09022015). Collection method: clinical testing. Allele origin: germline.
Comment: This sequence change replaces phenylalanine, which is neutral and non-polar, with leucine, which is neutral and non-polar, at codon 54 of the GUF1 protein (p.Phe54Leu). This variant is present in population databases (rs768606175, gnomAD 0.007%). This variant has not been reported in the literature in individuals affected with GUF1-related conditions. ClinVar contains an entry for this variant (Variation ID: 2498953). An algorithm developed to predict the effect of missense changes on protein structure and function outputs the following: PolyPhen-2: "Benign". The leucine amino acid residue is found in multiple mammalian species, which suggests that this missense change does not adversely affect protein function. In summary, the available evidence is currently insufficient to determine the role of this variant in disease. Therefore, it has been classified as a Variant of Uncertain Significance.

Ambry Genetics
Classification: Likely benign. Last evaluated: 2025-08-29. Review status: criteria provided, single submitter. Criteria: Ambry Variant Classification Scheme 2023. Collection method: clinical testing. Allele origin: germline.

CeGaT Center for Human Genetics Tuebingen
Classification: Uncertain significance. Last evaluated: 2023-03-01. Review status: criteria provided, single submitter. Criteria: CeGaT Center For Human Genetics Tuebingen Variant Classification Criteria Version 2. Collection method: clinical testing. Allele origin: germline. Affected: yes. Observed: 1 variant allele.
Comment: GUF1: PM2, BP4

NM_021927.3(GUF1):c.162C>A (p.Phe54Leu)

Gene: GUF1 (GTP binding elongation factor GUF1; plus strand). Cytogenetic location: 4p12.
Variant type: single nucleotide variant.
Coding change: c.162C>A on transcript NM_021927.3 (MANE Select); coding-DNA position 162, C replaced by A.
Protein change: p.Phe54Leu; replaces phenylalanine 54 with leucine.
Molecular consequence: missense variant. On other transcripts: 5 prime UTR variant (2).
Genome position (GRCh38, 1-based): chr4:44,678,784, C>A. VCF-style: chr4-44678784-C-A. GRCh37 (hg19) VCF-style: chr4-44680801-C-A.
Other names: c.-807C>A (NM_001345867.2); c.162C>A, p.Phe54Leu (NM_001345868.2); c.-699C>A (NM_001345869.2); c.162C>A (NM_021927.2); short protein forms F54L.
Identifiers: ClinVar variation 2498953 (VCV002498953.32), dbSNP rs768606175, ClinGen allele CA2905195.